The following is an entry in ClinVar:

NM_003119.4(SPG7):c.1763C>T (p.Thr588Met)

Gene: SPG7 (SPG7 matrix AAA peptidase subunit, paraplegin; plus strand). Cytogenetic location: 16q24.3.
Variant type: single nucleotide variant.
Coding change: c.1763C>T on transcript NM_003119.4 (MANE Select); coding-DNA position 1763, C replaced by T.
Protein change: p.Thr588Met; replaces threonine 588 with methionine.
Molecular consequence: missense variant.
Genome position (GRCh38, 1-based): chr16:89,550,593, C>T. VCF-style: chr16-89550593-C-T. GRCh37 (hg19) VCF-style: chr16-89617001-C-T.
Other names: c.1763C>T, p.Thr588Met (NM_001363850.1); c.1763C>T (NM_003119.2); short protein forms T588M.
Identifiers: ClinVar variation 989130 (VCV000989130.13), dbSNP rs778387199, ClinGen allele CA397431249.
Genomic context (GRCh38, chr16:89,550,593, plus strand): 5'-AGAAAGTGGTTGCGTTTCATGAGTCGGGCCACGCCTTGGTGGGCTGGATGCTGGAGCACA[C>T]GGAGGCCGTGATGAAGGTGGGTCTTGGCAGGTGCCGGCTCCACGGGCCTTGGCCAAAGGT-3'
Protein context (NP_003110.1, residues 578-598): HALVGWMLEH[Thr588Met]EAVMKVSITP

ClinVar aggregate classification (germline): Conflicting classifications of pathogenicity. Review status: criteria provided, conflicting classifications (1 of 4 stars). 8 submissions from 8 submitters: Pathogenic (3); Likely pathogenic (2); Uncertain significance (1). 2 of the submissions do not count toward it. Last evaluated 2026-03-18.

Conditions:
Hereditary ataxia. Also called: Hereditary Ataxias. Identifiers: Orphanet 183518, MedGen C0004138, MONDO:0100309, MONDO:0000557.
Hereditary spastic paraplegia 7 (SPG7). Also called: SPASTIC PARAPLEGIA 7, AUTOSOMAL RECESSIVE, WITH OR WITHOUT CEREBELLAR ATAXIA; Spastic paraplegia 7; Hereditary spastic paraplegia Paraplegin type; SPG7-related neurologic disorder; Autosomal recessive spastic paraplegia type 7. Identifiers: Orphanet 99013, MedGen C1846564, MONDO:0011803, OMIM 607259.

Allele frequency attached by ClinVar (database versions not stated): TOPMed below 0.00001.

Submissions (8):

GeneDx
Classification: Likely pathogenic. Last evaluated: 2026-03-18. Review status: criteria provided, single submitter. Criteria: GeneDx Variant Classification Process June 2021. Collection method: clinical testing. Allele origin: germline.
Comment: In silico analysis supports that this missense variant has a deleterious effect on protein structure/function; Not observed at significant frequency in large population cohorts (gnomAD); This variant is associated with the following publications: (PMID: 39825153, 34983064, 22571692, 35096021, 33624863)

Labcorp Genetics (formerly Invitae), Labcorp
Classification: Pathogenic for Hereditary spastic paraplegia 7. Last evaluated: 2025-08-21. Review status: criteria provided, single submitter. Criteria: Invitae Variant Classification Sherloc (09022015). Collection method: clinical testing. Allele origin: germline.
Comment: This sequence change replaces threonine, which is neutral and polar, with methionine, which is neutral and non-polar, at codon 588 of the SPG7 protein (p.Thr588Met). This variant is not present in population databases (gnomAD no frequency). This missense change has been observed in individual(s) with clinical features of hereditary spastic paraplegia (PMID: 33624863, 34983064). It has also been observed to segregate with disease in related individuals. ClinVar contains an entry for this variant (Variation ID: 989130). Invitae Evidence Modeling of protein sequence and biophysical properties (such as structural, functional, and spatial information, amino acid conservation, physicochemical variation, residue mobility, and thermodynamic stability) indicates that this missense variant is not expected to disrupt SPG7 protein function with a negative predictive value of 80%. For these reasons, this variant has been classified as Pathogenic.

AURAGEN, Plan France Médecine Génomique
Classification: Pathogenic for Hereditary ataxia. Last evaluated: 2022-03-10. Review status: criteria provided, single submitter. Criteria: PFMG2025 (Lancet Reg Health Eur. 2025). Collection method: clinical testing. Allele origin: germline. Affected: yes.

Blueprint Genetics
Classification: Uncertain significance. Last evaluated: 2018-10-11. Review status: criteria provided, single submitter. Criteria: ACMG Guidelines, 2015. Collection method: clinical testing. Allele origin: germline.

Clinical Genetics Service, Universitary Hospital 12 de Octubre
Classification: Likely pathogenic for Hereditary spastic paraplegia 7. Review status: criteria provided, single submitter. Criteria: ACMG Guidelines, 2015. Collection method: clinical testing. Allele origin: germline. Affected: yes.

Paris Brain Institute, Inserm - ICM
Classification: Pathogenic for Hereditary spastic paraplegia 7. Review status: criteria provided, single submitter. Criteria: ACMG Guidelines, 2015. Collection method: clinical testing. Allele origin: unknown. Affected: yes. Observed: 1 variant allele.

Solve-RD Consortium
Classification: Likely pathogenic for Hereditary spastic paraplegia 7. Last evaluated: 2022-06-01. Review status: no assertion criteria provided. Collection method: provider interpretation. Allele origin: inherited. Affected: yes. Not counted in ClinVar's aggregate classification.
Comment: Variant confirmed as disease-causing by referring clinical team

Variant identified during reanalysis of unsolved cases by the Solve-RD project. The Solve-RD project has received funding from the European Union’s Horizon 2020 research and innovation programme under grant agreement No 779257.

PROSPAX: an integrated multimodal progression  chart in spastic ataxias, Center for Neurology; Hertie-Institute for Clinical Brain Research
Classification: Uncertain significance for Hereditary spastic paraplegia 7. Last evaluated: 2022-01-01. Review status: flagged submission. Criteria: ACMG Guidelines, 2015. Collection method: research. Allele origin: germline. Affected: yes. Observed: 1 variant allele, 1 homozygote. Not counted in ClinVar's aggregate classification.
ClinVar note: Reason: Outlier claim with insufficient supporting evidence

Literature cited by the submitters: PubMed 33624863 (cited by Labcorp Genetics (formerly Invitae), Labcorp); PubMed 34983064 (cited by Labcorp Genetics (formerly Invitae), Labcorp); PubMed 39825153 (cited by Solve-RD Consortium).